The following is an entry in ClinVar:

ClinVar aggregate classification (germline): Uncertain significance. Review status: criteria provided, multiple submitters, no conflicts (2 of 4 stars). 2 submissions from 2 submitters: Uncertain significance (2). Last evaluated 2026-08-07.

Conditions:
Inborn genetic diseases. Identifiers: MedGen C0950123, MeSH D030342.
Wilms tumor 1 (WT1). Also called: Wilms tumor, somatic. Identifiers: Orphanet 654, MedGen CN033288, MONDO:0008679, OMIM 194070.
11p partial monosomy syndrome (WAGR). Also called: CHROMOSOME 11p13 DELETION SYNDROME; WAGR syndrome; WAGR Complex; WAGR Spectrum Disorder. Identifiers: Orphanet 893, MedGen C0206115, MONDO:0008681, OMIM 194072.
Drash syndrome (DDS). Also called: NEPHROPATHY, WILMS TUMOR, AND GENITAL ANOMALIES; WILMS TUMOR AND PSEUDO- OR TRUE HERMAPHRODITISM. Identifiers: Orphanet 220, MedGen C0950121, MONDO:0008682, OMIM 194080.
Frasier syndrome. Identifiers: Orphanet 347, MedGen C0950122, MeSH D052159, MONDO:0007635, OMIM 136680.

gnomAD v4.1: 1 of 1,614,142 alleles (0.000062%); no homozygotes.

Submissions (2):

Ambry Genetics
Classification: Uncertain significance for Inborn genetic diseases. Last evaluated: 2026-08-07. Review status: criteria provided, single submitter. Criteria: Ambry Variant Classification Scheme 2023. Collection method: clinical testing. Allele origin: germline.
Comment: The p.G251D variant (also known as c.752G>A), located in coding exon 2 of the WT1 gene, results from a G to A substitution at nucleotide position 752. The glycine at codon 251 is replaced by aspartic acid, an amino acid with similar properties. This amino acid position is conserved. In addition, the in silico prediction for this alteration is inconclusive. Based on the available evidence, the clinical significance of this variant remains unclear.

Labcorp Genetics (formerly Invitae), Labcorp
Classification: Uncertain significance for Wilms tumor 1; Drash syndrome; 11p partial monosomy syndrome; Frasier syndrome. Last evaluated: 2025-05-09. Review status: criteria provided, single submitter. Criteria: Invitae Variant Classification Sherloc (09022015). Collection method: clinical testing. Allele origin: germline.
Comment: This sequence change replaces glycine, which is neutral and non-polar, with aspartic acid, which is acidic and polar, at codon 251 of the WT1 protein (p.Gly251Asp). This variant is not present in population databases (gnomAD no frequency). This variant has not been reported in the literature in individuals affected with WT1-related conditions. ClinVar contains an entry for this variant (Variation ID: 1966745). Invitae Evidence Modeling of protein sequence and biophysical properties (such as structural, functional, and spatial information, amino acid conservation, physicochemical variation, residue mobility, and thermodynamic stability) indicates that this missense variant is not expected to disrupt WT1 protein function with a negative predictive value of 95%. In summary, the available evidence is currently insufficient to determine the role of this variant in disease. Therefore, it has been classified as a Variant of Uncertain Significance.

NM_024426.6(WT1):c.767G>A (p.Gly256Asp)

Gene: WT1 (WT1 transcription factor; minus strand). Cytogenetic location: 11p13.
Variant type: single nucleotide variant.
Coding change: c.767G>A on transcript NM_024426.6 (MANE Select); coding-DNA position 767, G replaced by A.
Protein change: p.Gly256Asp; replaces glycine 256 with aspartic acid.
Molecular consequence: missense variant. On other transcripts: non-coding transcript variant (1).
Genome position (GRCh38, 1-based): chr11:32,428,514, C>T on the plus strand (G>A on the coding strand, the complement: WT1 is on the minus strand). VCF-style: chr11-32428514-C-T. GRCh37 (hg19) VCF-style: chr11-32450060-C-T.
Other names: c.752G>A (NM_024426.4); c.767G>A, p.Gly256Asp (NM_000378.6, NM_001407044.1, NM_001407045.1 and 4 more transcripts); c.116G>A, p.Gly39Asp (NM_001198551.2, NM_001198552.2); c.5G>A, p.Gly2Asp (NM_001407051.1); c.752G>A, p.Gly251Asp (NM_024425.2); short protein forms G2D, G251D, G256D, G39D.
Identifiers: ClinVar variation 1966745 (VCV001966745.5), dbSNP rs1554945190, ClinGen allele CA379963288.